The following is an entry in ClinVar:

ClinVar aggregate classification (germline): Uncertain significance (1 of 4 stars; one submission).

Conditions:
Cognitive impairment - coarse facies - heart defects - obesity - pulmonary involvement - short stature - skeletal dysplasia syndrome. Also called: COGNITIVE IMPAIRMENT, COARSE FACIES, HEART DEFECTS, OBESITY, PULMONARY INVOLVEMENT, SHORT STATURE, AND SKELETAL DYSPLASIA; Chops syndrome; AFF4-Related CHOPS Syndrome. Identifiers: Orphanet 444077, MedGen C4085597, MONDO:0014609, OMIM 616368.

gnomAD v4.1: 1 of 1,614,200 alleles (0.000062%); highest among the groups gnomAD compares: South Asian, 0.0011%; no homozygotes.

Submission:

Labcorp Genetics (formerly Invitae), Labcorp
Classification: Uncertain significance for Cognitive impairment - coarse facies - heart defects - obesity - pulmonary involvement - short stature - skeletal dysplasia syndrome. Last evaluated: 2025-08-01. Review status: criteria provided, single submitter. Criteria: Invitae Variant Classification Sherloc (09022015). Collection method: clinical testing. Allele origin: germline.
Comment: This sequence change replaces glutamic acid, which is acidic and polar, with glycine, which is neutral and non-polar, at codon 523 of the AFF4 protein (p.Glu523Gly). This variant is present in population databases (rs779062120, gnomAD 0.003%). This variant has not been reported in the literature in individuals affected with AFF4-related conditions. Invitae Evidence Modeling of protein sequence and biophysical properties (such as structural, functional, and spatial information, amino acid conservation, physicochemical variation, residue mobility, and thermodynamic stability) indicates that this missense variant is not expected to disrupt AFF4 protein function with a negative predictive value of 80%. In summary, the available evidence is currently insufficient to determine the role of this variant in disease. Therefore, it has been classified as a Variant of Uncertain Significance.

NM_014423.4(AFF4):c.1568A>G (p.Glu523Gly)

Gene: AFF4 (ALF transcription elongation factor 4; minus strand). Cytogenetic location: 5q31.1.
Variant type: single nucleotide variant.
Coding change: c.1568A>G on transcript NM_014423.4 (MANE Select); coding-DNA position 1568, A replaced by G.
Protein change: p.Glu523Gly; replaces glutamic acid 523 with glycine.
Molecular consequence: missense variant.
Genome position (GRCh38, 1-based): chr5:132,897,062, T>C on the plus strand (A>G on the coding strand, the complement: AFF4 is on the minus strand). VCF-style: chr5-132897062-T-C. GRCh37 (hg19) VCF-style: chr5-132232754-T-C.
Other names: short protein forms E523G.
Identifiers: ClinVar variation 4767564 (VCV004767564.1).